The following is an entry in ClinVar:

ClinVar aggregate classification (germline): Likely benign (0 of 4 stars; one submission).

Conditions:
MADD-related disorder. Also called: MADD-Related Disorders; MADD-related condition.

Allele frequency attached by ClinVar (database versions not stated): gnomAD exomes 0.00012; ExAC 0.00038; 1000 Genomes Project 0.00040; 1000 Genomes Project 30x 0.00047; gnomAD 0.00120; TOPMed 0.00150; ESP Exome Variant Server 0.00154.
gnomAD v4.1: 364 of 1,609,420 alleles (0.023%); highest among the groups gnomAD compares: African/African-American, 0.43%; no homozygotes.

Submission:

PreventionGenetics, part of Exact Sciences
Classification: Likely benign for MADD-related condition. Last evaluated: 2019-09-10. Review status: no assertion criteria provided. Collection method: clinical testing. Allele origin: germline.
Comment: This variant is classified as likely benign based on ACMG/AMP sequence variant interpretation guidelines (Richards et al. 2015 PMID: 25741868, with internal and published modifications).

NM_001376571.1(MADD):c.4849-7C>T

Gene: MADD (MAP kinase activating death domain; plus strand). Cytogenetic location: 11p11.2.
Variant type: single nucleotide variant.
Coding change: c.4849-7C>T on transcript NM_001376571.1 (MANE Select); 7 bases into the intron before coding-DNA position 4849, C replaced by T.
Molecular consequence: intron variant.
Genome position (GRCh38, 1-based): chr11:47,329,039, C>T. VCF-style: chr11-47329039-C-T. GRCh37 (hg19) VCF-style: chr11-47350590-C-T.
Other names: c.*24-7C>T (NM_001376661.1, NM_001376662.1, NM_001376658.1 and 41 more transcripts); c.4420-7C>T (NM_001376650.1); c.4621-7C>T (NM_001376602.1); c.4513-7C>T (NM_001376626.1); c.4504-7C>T (NM_001376627.1); c.4462-7C>T (NM_001376635.1); c.4390-7C>T (NM_001376654.1); c.4441-7C>T (NM_001376646.1); and 32 more.
Identifiers: ClinVar variation 3053204 (VCV003053204.2), dbSNP rs189035005, ClinGen allele CA5975322.
Genomic context (GRCh38, chr11:47,329,039, plus strand): 5'-CAGATCCTTCACATATGGAGATGGAGGAGTCTCAGTATCGTGATCCGCCTGGTTTTCTCT[C>T]CTCTAGGCCCACGAAATCTGCTACTCCGTATTATGTCTCTTCTCGTACGTGGCTGCAGTT-3'